The following is an entry in ClinVar:

NM_144508.5(KNL1):c.6125del (p.Asn2042fs)

Gene: KNL1 (kinetochore scaffold 1; plus strand). Cytogenetic location: 15q15.1.
Variant type: Deletion.
Coding change: c.6125del on transcript NM_144508.5 (MANE Select); coding-DNA position 6125, one base deleted (A; older notation c.6125delA).
Protein change: p.Asn2042fs; shifts the reading frame from asparagine 2042.
Molecular consequence: frameshift variant.
Genome position (GRCh38, 1-based): chr15:40,650,331, A deleted; the last of 5 consecutive A bases (chr15:40,650,327-40,650,331); deleting any one gives the same sequence. VCF-style (leftmost placement, unchanged base first): chr15-40650326-GA-G. GRCh37 (hg19) VCF-style: chr15-40942524-GA-G.
Other names: c.6203del, p.Asn2068fs (NM_170589.5); short protein forms N2042fs, N2068fs.
Identifiers: ClinVar variation 817944 (VCV000817944.1), dbSNP rs1595945118, ClinGen allele CA915946506.

ClinVar aggregate classification (germline): Likely pathogenic (1 of 4 stars; one submission).

Submission:

GeneDx
Classification: Likely pathogenic. Last evaluated: 2018-12-17. Review status: criteria provided, single submitter. Criteria: GeneDx Variant Classification (06012015). Collection method: clinical testing. Allele origin: germline. Affected: yes.
Comment: The c.6203delA variant has not been published as a pathogenic variant, nor has it been reported as a benign variant to our knowledge. The c.6203delA variant is not observed in large population cohorts (Lek et al., 2016). The c.6203delA variant causes a frameshift starting with codon Asparagine 2068, changes this amino acid to a Threonine residue and creates a premature Stop codon at position 11 of the new reading frame, denoted p.Asn2068ThrfsX11. This variant is predicted to cause loss of normal protein function either through protein truncation or nonsense-mediated mRNA decay. Therefore, this variant is likely pathogenic; however, the possibility that it is benign cannot be excluded.